The following is an entry in ClinVar:

NM_000722.4(CACNA2D1):c.677A>G (p.Asn226Ser)

Gene: CACNA2D1 (calcium voltage-gated channel auxiliary subunit alpha2delta 1; minus strand). Cytogenetic location: 7q21.11.
Variant type: single nucleotide variant.
Coding change: c.677A>G on transcript NM_000722.4 (MANE Select); coding-DNA position 677, A replaced by G.
Protein change: p.Asn226Ser; replaces asparagine 226 with serine.
Molecular consequence: missense variant.
Genome position (GRCh38, 1-based): chr7:82,066,506, T>C on the plus strand (A>G on the coding strand, the complement: CACNA2D1 is on the minus strand). VCF-style: chr7-82066506-T-C. GRCh37 (hg19) VCF-style: chr7-81695822-T-C.
Other names: c.677A>G, p.Asn226Ser (NM_001302890.2, NM_001366867.1); short protein forms N226S.
Identifiers: ClinVar variation 2165918 (VCV002165918.5), dbSNP rs774975279, ClinGen allele CA4318262.

ClinVar aggregate classification (germline): Conflicting classifications of pathogenicity. Review status: criteria provided, conflicting classifications (1 of 4 stars). 2 submissions from 2 submitters: Uncertain significance (1); Benign (1). Last evaluated 2023-11-20.

Conditions:
Cardiovascular phenotype. Identifiers: MedGen CN230736.
Brugada syndrome. Also called: Sudden unexplained nocturnal death syndrome; Sudden unexpected nocturnal death syndrome; Sudden Unexplained Death Syndrome; Sudden Unexplained Nocturnal Death Syndrome (SUNDS). Identifiers: Orphanet 130, MedGen C1142166, MONDO:0015263.

Allele frequency attached by ClinVar (database versions not stated): gnomAD exomes 0.00003; ExAC 0.00005.
gnomAD v4.1: 17 of 1,603,950 alleles (0.0011%); highest among the groups gnomAD compares: East Asian, 0.034%; no homozygotes.

Submissions (2):

Ambry Genetics
Classification: Benign for Cardiovascular phenotype. Last evaluated: 2023-11-20. Review status: criteria provided, single submitter. Criteria: Ambry Variant Classification Scheme 2023. Collection method: clinical testing. Allele origin: germline.

Labcorp Genetics (formerly Invitae), Labcorp
Classification: Uncertain significance for Brugada syndrome. Last evaluated: 2022-09-23. Review status: criteria provided, single submitter. Criteria: Invitae Variant Classification Sherloc (09022015). Collection method: clinical testing. Allele origin: germline.
Comment: In summary, the available evidence is currently insufficient to determine the role of this variant in disease. Therefore, it has been classified as a Variant of Uncertain Significance. Algorithms developed to predict the effect of missense changes on protein structure and function (SIFT, PolyPhen-2, Align-GVGD) all suggest that this variant is likely to be tolerated. This variant has not been reported in the literature in individuals affected with CACNA2D1-related conditions. This variant is present in population databases (rs774975279, gnomAD 0.04%). This sequence change replaces asparagine, which is neutral and polar, with serine, which is neutral and polar, at codon 226 of the CACNA2D1 protein (p.Asn226Ser).